The following is an entry in ClinVar:

NM_021076.4(NEFH):c.2081C>T (p.Ala694Val)

Gene: NEFH (neurofilament heavy chain; plus strand). Cytogenetic location: 22q12.2.
Variant type: single nucleotide variant.
Coding change: c.2081C>T on transcript NM_021076.4 (MANE Select); coding-DNA position 2081, C replaced by T.
Protein change: p.Ala694Val; replaces alanine 694 with valine.
Molecular consequence: missense variant.
Genome position (GRCh38, 1-based): chr22:29,489,721, C>T. VCF-style: chr22-29489721-C-T. GRCh37 (hg19) VCF-style: chr22-29885710-C-T.
Other names: short protein forms A694V.
Identifiers: ClinVar variation 2873789 (VCV002873789.3), dbSNP rs752635950, ClinGen allele CA10174355.

ClinVar aggregate classification (germline): Uncertain significance (1 of 4 stars; one submission).

Allele frequency attached by ClinVar (database versions not stated): gnomAD exomes below 0.00001; gnomAD 0.00001; ExAC 0.00002.
gnomAD v4.1: 3 of 1,610,362 alleles (0.00019%); highest among the groups gnomAD compares: African/African-American, 0.0014%; no homozygotes.

Submission:

Labcorp Genetics (formerly Invitae), Labcorp
Classification: Uncertain significance. Last evaluated: 2023-12-28. Review status: criteria provided, single submitter. Criteria: Invitae Variant Classification Sherloc (09022015). Collection method: clinical testing. Allele origin: germline.
Comment: This sequence change replaces alanine, which is neutral and non-polar, with valine, which is neutral and non-polar, at codon 694 of the NEFH protein (p.Ala694Val). This variant is not present in population databases (gnomAD no frequency). This variant has not been reported in the literature in individuals affected with NEFH-related conditions. Advanced modeling of protein sequence and biophysical properties (such as structural, functional, and spatial information, amino acid conservation, physicochemical variation, residue mobility, and thermodynamic stability) performed at Invitae indicates that this missense variant is not expected to disrupt NEFH protein function with a negative predictive value of 95%. In summary, the available evidence is currently insufficient to determine the role of this variant in disease. Therefore, it has been classified as a Variant of Uncertain Significance.